The following is an entry in ClinVar:

ClinVar aggregate classification (germline): Uncertain significance (1 of 4 stars; one submission).

gnomAD v4.1: 22 of 1,593,884 alleles (0.0014%); highest among the groups gnomAD compares: East Asian, 0.0022%; no homozygotes.

Submission:

GeneDx
Classification: Uncertain significance. Last evaluated: 2024-12-26. Review status: criteria provided, single submitter. Criteria: GeneDx Variant Classification Process June 2021. Collection method: clinical testing. Allele origin: germline. Affected: yes.
Comment: Not observed at significant frequency in large population cohorts (gnomAD); In silico analysis indicates that this missense variant does not alter protein structure/function; Has not been previously published as pathogenic or benign to our knowledge

NM_001164508.2(NEB):c.22799T>C (p.Ile7600Thr)

Genes: NEB (nebulin; minus strand), RIF1 (replication timing regulatory factor 1; plus strand). Cytogenetic location: 2q23.3.
Variant type: single nucleotide variant.
Coding change: c.22799T>C on transcript NM_001164508.2 (MANE Select); coding-DNA position 22799, T replaced by C.
Protein change: p.Ile7600Thr; replaces isoleucine 7600 with threonine.
Molecular consequence: missense variant.
Genome position (GRCh38, 1-based): chr2:151,518,319, A>G on the plus strand (T>C on the coding strand, the complement: NEB is on the minus strand). VCF-style: chr2-151518319-A-G. GRCh37 (hg19) VCF-style: chr2-152374833-A-G.
Other names: c.22799T>C, p.Ile7600Thr (NM_001164507.2); c.22904T>C, p.Ile7635Thr (NM_001271208.2); c.17696T>C, p.Ile5899Thr (NM_004543.5); short protein forms I5899T, I7600T, I7635T.
Identifiers: ClinVar variation 3907756 (VCV003907756.1).